The following is an entry in ClinVar:

NM_016239.4(MYO15A):c.5007+1G>A

Gene: MYO15A (myosin XVA; plus strand). Cytogenetic location: 17p11.2.
Variant type: single nucleotide variant.
Coding change: c.5007+1G>A on transcript NM_016239.4 (MANE Select); the canonical splice donor site of the intron after coding-DNA position 5007, G replaced by A.
Molecular consequence: splice donor variant.
Genome position (GRCh38, 1-based): chr17:18,138,247, G>A. VCF-style: chr17-18138247-G-A. GRCh37 (hg19) VCF-style: chr17-18041561-G-A.
Identifiers: ClinVar variation 2866407 (VCV002866407.3), dbSNP rs1259460916, ClinGen allele CA398597842.

ClinVar aggregate classification (germline): Likely pathogenic (1 of 4 stars; one submission).

gnomAD v4.1: 1 of 1,612,154 alleles (0.000062%); highest among the groups gnomAD compares: Non-Finnish European, 0.000085%; no homozygotes.

Submission:

Labcorp Genetics (formerly Invitae), Labcorp
Classification: Likely pathogenic. Last evaluated: 2023-05-20. Review status: criteria provided, single submitter. Criteria: Invitae Variant Classification Sherloc (09022015). Collection method: clinical testing. Allele origin: germline.
Comment: In summary, the currently available evidence indicates that the variant is pathogenic, but additional data are needed to prove that conclusively. Therefore, this variant has been classified as Likely Pathogenic. Algorithms developed to predict the effect of sequence changes on RNA splicing suggest that this variant may disrupt the consensus splice site. Disruption of this splice site has been observed in individual(s) with non-syndromic deafness (PMID: 27068579). This variant is not present in population databases (gnomAD no frequency). This sequence change affects a donor splice site in intron 17 of the MYO15A gene. It is expected to disrupt RNA splicing. Variants that disrupt the donor or acceptor splice site typically lead to a loss of protein function (PMID: 16199547), and loss-of-function variants in MYO15A are known to be pathogenic (PMID: 17546645).

Literature cited by the submitters: PubMed 27068579; PubMed 16199547; PubMed 17546645.